The following is an entry in ClinVar:

ClinVar aggregate classification (germline): Uncertain significance. Review status: criteria provided, single submitter (1 of 4 stars). 2 submissions from 2 submitters: Uncertain significance (1). 1 of the submissions does not count toward it. Last evaluated 2025-11-14.

Conditions:
Autosomal recessive nonsyndromic hearing loss 77. Identifiers: Orphanet 90636, MedGen C2746083, MONDO:0013119, OMIM 613079.

gnomAD v4.1: 1 of 1,551,748 alleles (0.000064%); no homozygotes.

Submissions (2):

Women's Health and Genetics/Laboratory Corporation of America, LabCorp
Classification: Uncertain significance. Last evaluated: 2025-11-14. Review status: criteria provided, single submitter. Criteria: LabCorp Variant Classification Summary - May 2015. Collection method: clinical testing. Allele origin: germline.
Comment: Variant summary: LOXHD1 c.4993G>T (p.Asp1665Tyr) results in a non-conservative amino acid change in the encoded protein sequence. Algorithms developed to predict the effect of missense changes on protein structure and function all suggest that this variant is likely to be disruptive. The variant was absent in 158842 control chromosomes. The available data on variant occurrences in the general population are insufficient to allow any conclusion about variant significance. To our knowledge, no occurrence of c.4993G>T in individuals affected with LOXHD1-related conditions and no experimental evidence demonstrating its impact on protein function have been reported. ClinVar contains an entry for this variant (Variation ID: 992168). Based on the evidence outlined above, the variant was classified as uncertain significance.

Natera, Inc.
Classification: Uncertain significance for Autosomal recessive deafness type 77. Last evaluated: 2020-09-04. Review status: no assertion criteria provided. Collection method: clinical testing. Allele origin: germline. Not counted in ClinVar's aggregate classification.

NM_001384474.1(LOXHD1):c.4993G>T (p.Asp1665Tyr)

Gene: LOXHD1 (lipoxygenase homology PLAT domains 1; minus strand). Cytogenetic location: 18q21.1.
Variant type: single nucleotide variant.
Coding change: c.4993G>T on transcript NM_001384474.1 (MANE Select); coding-DNA position 4993, G replaced by T.
Protein change: p.Asp1665Tyr; replaces aspartic acid 1665 with tyrosine.
Molecular consequence: missense variant.
Genome position (GRCh38, 1-based): chr18:46,522,193, C>A on the plus strand (G>T on the coding strand, the complement: LOXHD1 is on the minus strand). VCF-style: chr18-46522193-C-A. GRCh37 (hg19) VCF-style: chr18-44102156-C-A.
Other names: c.1660G>T, p.Asp554Tyr (NM_001145472.3); c.1372G>T, p.Asp458Tyr (NM_001308013.2); c.4993G>T, p.Asp1665Tyr (NM_144612.7); short protein forms D1665Y, D458Y, D554Y.
Identifiers: ClinVar variation 992168 (VCV000992168.2), dbSNP rs200490958, ClinGen allele CA299801001.
Genomic context (GRCh38, chr18:46,522,193, plus strand): 5'-CTGCGACGTAGAACTCCTCCACAGAGCCACGGCTGAAGCCCCTCTTCCCTCGGGGGTAGT[C>A]CAACCAGATGCGCTTACTACGTTCATCATCCTCCCCGATGAGAAAGATGAAGGCTCGGCT-3'
Protein context (NP_001371403.1, residues 1655-1675): DDERSKRIWL[Asp1665Tyr]YPRGKRGFSR